The following is an entry in ClinVar:

NM_000553.6(WRN):c.571A>C (p.Lys191Gln)

Gene: WRN (WRN RecQ like helicase; plus strand). Cytogenetic location: 8p12.
Variant type: single nucleotide variant.
Coding change: c.571A>C on transcript NM_000553.6 (MANE Select); coding-DNA position 571, A replaced by C.
Protein change: p.Lys191Gln; replaces lysine 191 with glutamine.
Molecular consequence: missense variant.
Genome position (GRCh38, 1-based): chr8:31,067,099, A>C. VCF-style: chr8-31067099-A-C. GRCh37 (hg19) VCF-style: chr8-30924615-A-C.
Other names: short protein forms K191Q.
Identifiers: ClinVar variation 962305 (VCV000962305.1), dbSNP rs1812737120, ClinGen allele CA370916089.

ClinVar aggregate classification (germline): Uncertain significance (1 of 4 stars; one submission).

Conditions:
Werner syndrome (WRN). Identifiers: Orphanet 902, MedGen C0043119, MONDO:0010196, OMIM 277700.

Submission:

Labcorp Genetics (formerly Invitae), Labcorp
Classification: Uncertain significance for Werner syndrome. Last evaluated: 2019-10-25. Review status: criteria provided, single submitter. Criteria: Invitae Variant Classification Sherloc (09022015). Collection method: clinical testing. Allele origin: germline.
Comment: This sequence change replaces lysine with glutamine at codon 191 of the WRN protein (p.Lys191Gln). The lysine residue is highly conserved and there is a small physicochemical difference between lysine and glutamine. This variant is not present in population databases (ExAC no frequency). This variant has not been reported in the literature in individuals with WRN-related conditions. Algorithms developed to predict the effect of missense changes on protein structure and function are either unavailable or do not agree on the potential impact of this missense change (SIFT: "Tolerated"; PolyPhen-2: "Probably Damaging"; Align-GVGD: "Class C0"). In summary, the available evidence is currently insufficient to determine the role of this variant in disease. Therefore, it has been classified as a Variant of Uncertain Significance.